The following is an entry in ClinVar:

NM_002067.5(GNA11):c.687C>T (p.Leu229=)

Gene: GNA11 (G protein subunit alpha 11; plus strand). Cytogenetic location: 19p13.3.
Variant type: single nucleotide variant.
Coding change: c.687C>T on transcript NM_002067.5 (MANE Select); coding-DNA position 687, C replaced by T.
Protein change: p.Leu229=; no amino-acid change (leucine 229 retained).
Molecular consequence: synonymous variant.
Genome position (GRCh38, 1-based): chr19:3,119,005, C>T. VCF-style: chr19-3119005-C-T. GRCh37 (hg19) VCF-style: chr19-3119003-C-T.
Identifiers: ClinVar variation 747381 (VCV000747381.12), dbSNP rs199749164, ClinGen allele CA9074965.

ClinVar aggregate classification (germline): Likely benign. Review status: criteria provided, multiple submitters, no conflicts (2 of 4 stars). 2 submissions from 2 submitters: Likely benign (2). Last evaluated 2025-10-09.

Conditions:
GNA11-related disorder. Also called: GNA11-related condition.

Allele frequency attached by ClinVar (database versions not stated): gnomAD 0.00011; TOPMed 0.00012; 1000 Genomes Project 30x 0.00016; gnomAD exomes 0.00016 and 0.00038; ExAC 0.00018; 1000 Genomes Project 0.00020.
gnomAD v4.1: 557 of 1,613,786 alleles (0.035%); highest among the groups gnomAD compares: East Asian, 0.069%; no homozygotes.

Submissions (2):

Labcorp Genetics (formerly Invitae), Labcorp
Classification: Likely benign. Last evaluated: 2025-10-09. Review status: criteria provided, single submitter. Criteria: Invitae Variant Classification Sherloc (09022015). Collection method: clinical testing. Allele origin: germline.

PreventionGenetics, part of Exact Sciences
Classification: Likely benign for GNA11-related condition. Last evaluated: 2024-12-13. Review status: criteria provided, single submitter. Criteria: ACMG Guidelines, 2015. Collection method: clinical testing. Allele origin: germline.
Comment: This variant is classified as likely benign based on ACMG/AMP sequence variant interpretation guidelines (Richards et al. 2015 PMID: 25741868, with internal and published modifications).